The following is an entry in ClinVar:

NM_000111.3(SLC26A3):c.889-2A>G

Gene: SLC26A3 (solute carrier family 26 member 3; minus strand). Cytogenetic location: 7q22.3.
Variant type: single nucleotide variant.
Coding change: c.889-2A>G on transcript NM_000111.3 (MANE Select); the canonical splice acceptor site of the intron before coding-DNA position 889, A replaced by G.
Molecular consequence: splice acceptor variant.
Genome position (GRCh38, 1-based): chr7:107,786,911, T>C on the plus strand (A>G on the coding strand, the complement: SLC26A3 is on the minus strand). VCF-style: chr7-107786911-T-C. GRCh37 (hg19) VCF-style: chr7-107427356-T-C.
Identifiers: ClinVar variation 2827408 (VCV002827408.3), dbSNP rs2535467680, ClinGen allele CA368852566.
Genomic context (GRCh38, chr7:107,786,911, plus strand): 5'-GCCACTTTAAACCTGTTTTTAAAGTCACAGCCGTAGGATACACCTGCTGCAATCACGGTC[T>C]GCAAAGTTGCAAATGGCCCAAGTTAGAAATGTGAGATGCAAGTAAGAGTCTTGCTTTGAA-3'

ClinVar aggregate classification (germline): Likely pathogenic (1 of 4 stars; one submission).

gnomAD v4.1: 1 of 1,613,352 alleles (0.000062%); highest among the groups gnomAD compares: African/African-American, 0.0013%; no homozygotes.

Submission:

Labcorp Genetics (formerly Invitae), Labcorp
Classification: Likely pathogenic. Last evaluated: 2023-01-10. Review status: criteria provided, single submitter. Criteria: Invitae Variant Classification Sherloc (09022015). Collection method: clinical testing. Allele origin: germline.
Comment: In summary, the currently available evidence indicates that the variant is pathogenic, but additional data are needed to prove that conclusively. Therefore, this variant has been classified as Likely Pathogenic. Algorithms developed to predict the effect of sequence changes on RNA splicing suggest that this variant may disrupt the consensus splice site. This variant has not been reported in the literature in individuals affected with SLC26A3-related conditions. This variant is not present in population databases (gnomAD no frequency). This sequence change affects an acceptor splice site in intron 7 of the SLC26A3 gene. It is expected to disrupt RNA splicing. Variants that disrupt the donor or acceptor splice site typically lead to a loss of protein function (PMID: 16199547), and loss-of-function variants in SLC26A3 are known to be pathogenic (PMID: 9718329, 21394828).

Literature cited by the submitters: PubMed 16199547; PubMed 9718329; PubMed 21394828.